The following is an entry in ClinVar:

ClinVar aggregate classification (germline): Uncertain significance. Review status: criteria provided, multiple submitters, no conflicts (2 of 4 stars). 2 submissions from 2 submitters: Uncertain significance (2). Last evaluated 2025-08-01.

Conditions:
Progressive familial heart block type IB (PFHB1B). Identifiers: Orphanet 871, MedGen C1970298, MONDO:0011474, OMIM 604559.
Cardiovascular phenotype. Identifiers: MedGen CN230736.

Allele frequency attached by ClinVar (database versions not stated): gnomAD exomes below 0.00001; ExAC 0.00001; gnomAD 0.00003; TOPMed 0.00003.
gnomAD v4.1: 7 of 1,613,008 alleles (0.00043%); highest among the groups gnomAD compares: African/African-American, 0.0053%; no homozygotes.

Submissions (2):

Ambry Genetics
Classification: Uncertain significance for Cardiovascular phenotype. Last evaluated: 2025-08-01. Review status: criteria provided, single submitter. Criteria: Ambry Variant Classification Scheme 2023. Collection method: clinical testing. Allele origin: germline.

Labcorp Genetics (formerly Invitae), Labcorp
Classification: Uncertain significance for Progressive familial heart block type IB. Last evaluated: 2025-07-27. Review status: criteria provided, single submitter. Criteria: Invitae Variant Classification Sherloc (09022015). Collection method: clinical testing. Allele origin: germline.
Comment: This sequence change replaces threonine, which is neutral and polar, with methionine, which is neutral and non-polar, at codon 903 of the TRPM4 protein (p.Thr903Met). This variant is present in population databases (rs751548436, gnomAD 0.004%). This variant has not been reported in the literature in individuals affected with TRPM4-related conditions. ClinVar contains an entry for this variant (Variation ID: 1795007). An algorithm developed to predict the effect of missense changes on protein structure and function (PolyPhen-2) suggests that this variant is likely to be disruptive. In summary, the available evidence is currently insufficient to determine the role of this variant in disease. Therefore, it has been classified as a Variant of Uncertain Significance.

NM_017636.4(TRPM4):c.2708C>T (p.Thr903Met)

Gene: TRPM4 (transient receptor potential cation channel subfamily M member 4; plus strand). Cytogenetic location: 19q13.33.
Variant type: single nucleotide variant.
Coding change: c.2708C>T on transcript NM_017636.4 (MANE Select); coding-DNA position 2708, C replaced by T.
Protein change: p.Thr903Met; replaces threonine 903 with methionine.
Molecular consequence: missense variant.
Genome position (GRCh38, 1-based): chr19:49,200,362, C>T. VCF-style: chr19-49200362-C-T. GRCh37 (hg19) VCF-style: chr19-49703619-C-T.
Other names: c.2273C>T, p.Thr758Met (NM_001195227.2); c.2363C>T, p.Thr788Met (NM_001321281.2); c.1100C>T, p.Thr367Met (NM_001321282.2); c.2186C>T, p.Thr729Met (NM_001321283.2); c.1646C>T, p.Thr549Met (NM_001321285.2); short protein forms T758M, T549M, T788M, T367M, T729M, T903M.
Identifiers: ClinVar variation 1795007 (VCV001795007.9), dbSNP rs751548436, ClinGen allele CA9569624.